The following is an entry in ClinVar:

NM_001009944.3(PKD1):c.8272_8283dup (p.Arg2761_Ile2762insAlaLeuMetArg)

Gene: PKD1 (polycystin 1, transient receptor potential channel interacting; minus strand). Cytogenetic location: 16p13.3.
Variant type: Duplication.
Coding change: c.8272_8283dup on transcript NM_001009944.3 (MANE Select); coding-DNA positions 8272 to 8283, 12 bases duplicated (GCCCTCATGCGC).
Protein change: p.Arg2761_Ile2762insAlaLeuMetArg.
Genome position (GRCh38, 1-based): chr16:2,103,774-2,103,785, GCGCATGAGGGC duplicated on the plus strand (GCCCTCATGCGC on the coding strand, the reverse complement: PKD1 is on the minus strand). VCF-style (leftmost placement, unchanged base first): chr16-2103773-T-TGCGCATGAGGGC. GRCh37 (hg19) VCF-style: chr16-2153774-T-TGCGCATGAGGGC.
Other names: c.8272_8283dup12 (NM_001009944.3); c.8272_8283dup, p.Arg2761_Ile2762insAlaLeuMetArg (NM_000296.4).
Identifiers: ClinVar variation 4848873 (VCV004848873.1).

ClinVar aggregate classification (germline): Uncertain significance (1 of 4 stars; one submission).

Submission:

Women's Health and Genetics/Laboratory Corporation of America, LabCorp
Classification: Uncertain significance. Last evaluated: 2026-04-28. Review status: criteria provided, single submitter. Criteria: LabCorp Variant Classification Summary - May 2015. Collection method: clinical testing. Allele origin: germline.
Comment: Variant summary: PKD1 c.8272_8283dup12 (p.Ala2758_Arg2761dup) results in an in-frame duplication that is predicted to duplicate 4 amino acids into the encoded protein. The variant was absent in 247612 control chromosomes. The available data on variant occurrences in the general population are insufficient to allow any conclusion about variant significance. To our knowledge, no occurrence of c.8272_8283dup12 in individuals affected with PKD1-related conditions and no experimental evidence demonstrating its impact on protein function have been reported. No submitters have cited clinical-significance assessments for this variant to ClinVar. Based on the evidence outlined above, the variant was classified as uncertain significance.